The following is an entry in ClinVar:

ClinVar aggregate classification (germline): Uncertain significance. Review status: criteria provided, multiple submitters, no conflicts (2 of 4 stars). 3 submissions from 3 submitters: Uncertain significance (2). 1 of the submissions does not count toward it. Last evaluated 2024-09-19.

Conditions:
DISP1-related disorder. Also called: DISP1-related condition.

Allele frequency attached by ClinVar (database versions not stated): gnomAD 0.00001.
gnomAD v4.1: 17 of 1,614,016 alleles (0.0011%); highest among the groups gnomAD compares: Middle Eastern, 0.033%; no homozygotes.

Submissions (3):

Labcorp Genetics (formerly Invitae), Labcorp
Classification: Uncertain significance. Last evaluated: 2024-09-19. Review status: criteria provided, single submitter. Criteria: Invitae Variant Classification Sherloc (09022015). Collection method: clinical testing. Allele origin: germline.
Comment: This sequence change replaces alanine, which is neutral and non-polar, with threonine, which is neutral and polar, at codon 1204 of the DISP1 protein (p.Ala1204Thr). This variant is not present in population databases (gnomAD no frequency). This variant has not been reported in the literature in individuals affected with DISP1-related conditions. ClinVar contains an entry for this variant (Variation ID: 2353969). An algorithm developed to predict the effect of missense changes on protein structure and function outputs the following: PolyPhen-2: "Benign". The threonine amino acid residue is found in multiple mammalian species, which suggests that this missense change does not adversely affect protein function. In summary, the available evidence is currently insufficient to determine the role of this variant in disease. Therefore, it has been classified as a Variant of Uncertain Significance.

Ambry Genetics
Classification: Uncertain significance. Last evaluated: 2021-07-13. Review status: criteria provided, single submitter. Criteria: Ambry Variant Classification Scheme 2023. Collection method: clinical testing. Allele origin: germline.

PreventionGenetics, part of Exact Sciences
Classification: Uncertain significance for DISP1-related condition. Last evaluated: 2024-07-16. Review status: no assertion criteria provided. Collection method: clinical testing. Allele origin: germline. Not counted in ClinVar's aggregate classification.
Comment: The DISP1 c.3610G>A variant is predicted to result in the amino acid substitution p.Ala1204Thr. To our knowledge, this variant has not been reported in the literature or in a large population database, indicating this variant is rare. At this time, the clinical significance of this variant is uncertain due to the absence of conclusive functional and genetic evidence.

NM_001377229.1(DISP1):c.3610G>A (p.Ala1204Thr)

Gene: DISP1 (dispatched RND transporter family member 1; plus strand). Cytogenetic location: 1q41.
Variant type: single nucleotide variant.
Coding change: c.3610G>A on transcript NM_001377229.1 (MANE Select); coding-DNA position 3610, G replaced by A.
Protein change: p.Ala1204Thr; replaces alanine 1204 with threonine.
Molecular consequence: missense variant.
Genome position (GRCh38, 1-based): chr1:223,005,007, G>A. VCF-style: chr1-223005007-G-A. GRCh37 (hg19) VCF-style: chr1-223178349-G-A.
Other names: c.2881G>A, p.Ala961Thr (NM_001350630.2); c.3610G>A, p.Ala1204Thr (NM_001369594.1, NM_001377228.1, NM_032890.5); short protein forms A1204T, A961T.
Identifiers: ClinVar variation 2353969 (VCV002353969.5), dbSNP rs1679784323, ClinGen allele CA344689495.